The following is an entry in ClinVar:

NM_006254.4(PRKCD):c.1743+10CTGGG[4]

Gene: PRKCD (protein kinase C delta; plus strand). Cytogenetic location: 3p21.1.
Variant type: Microsatellite.
Coding change: c.1743+10CTGGG[4] on transcript NM_006254.4 (MANE Select); four copies in a row of the 5-base unit CTGGG starting at c.1743+10.
Molecular consequence: intron variant.
Genome position: GRCh38 VCF-style: chr3-53189255-C-CCTGGG. GRCh37 (hg19) VCF-style: chr3-53223271-C-CCTGGG.
Other names: c.1743+10CTGGG[4] (NM_001354680.2, NM_001354679.2, NM_212539.2 and 1 more transcripts); c.1800+10CTGGG[4] (NM_001354676.2); c.1791+10CTGGG[4] (NM_001354678.2).
Identifiers: ClinVar variation 1008549 (VCV001008549.4), dbSNP rs1192292366, ClinGen allele CA908141817.

ClinVar aggregate classification (germline): Uncertain significance (1 of 4 stars; one submission).

Conditions:
Autoimmune lymphoproliferative syndrome, type III caused by mutation in PRKCD. Identifiers: Orphanet 3261, Orphanet 664711, MedGen C3809928, MONDO:8000024, OMIM 615559.

Submission:

Labcorp Genetics (formerly Invitae), Labcorp
Classification: Uncertain significance for Autoimmune lymphoproliferative syndrome, type III caused by mutation in PRKCD. Last evaluated: 2025-10-15. Review status: criteria provided, single submitter. Criteria: Invitae Variant Classification Sherloc (09022015). Collection method: clinical testing. Allele origin: germline.
Comment: This sequence change falls in intron 17 of the PRKCD gene. It does not directly change the encoded amino acid sequence of the PRKCD protein. It affects a nucleotide within the consensus splice site. This variant is not present in population databases (gnomAD no frequency). This variant has not been reported in the literature in individuals affected with PRKCD-related conditions. Variants that disrupt the consensus splice site are a relatively common cause of aberrant splicing (PMID: 17576681, 9536098). Algorithms developed to predict the effect of sequence changes on RNA splicing suggest that this variant is not likely to affect RNA splicing. In summary, the available evidence is currently insufficient to determine the role of this variant in disease. Therefore, it has been classified as a Variant of Uncertain Significance.

Literature cited by the submitters: PubMed 17576681; PubMed 9536098.